The following is an entry in ClinVar:

ClinVar aggregate classification (germline): Uncertain significance (1 of 4 stars; one submission).

Allele frequency attached by ClinVar (database versions not stated): gnomAD exomes below 0.00001.
gnomAD v4.1: 1 of 1,614,140 alleles (0.000062%); highest among the groups gnomAD compares: Non-Finnish European, 0.000085%; no homozygotes.

Submission:

Labcorp Genetics (formerly Invitae), Labcorp
Classification: Uncertain significance. Last evaluated: 2023-12-07. Review status: criteria provided, single submitter. Criteria: Invitae Variant Classification Sherloc (09022015). Collection method: clinical testing. Allele origin: germline.
Comment: This sequence change replaces glutamic acid, which is acidic and polar, with valine, which is neutral and non-polar, at codon 93 of the CD96 protein (p.Glu93Val). This variant is not present in population databases (gnomAD no frequency). This variant has not been reported in the literature in individuals affected with CD96-related conditions. ClinVar contains an entry for this variant (Variation ID: 2018078). Advanced modeling of protein sequence and biophysical properties (such as structural, functional, and spatial information, amino acid conservation, physicochemical variation, residue mobility, and thermodynamic stability) performed at Invitae indicates that this missense variant is not expected to disrupt CD96 protein function with a negative predictive value of 80%. In summary, the available evidence is currently insufficient to determine the role of this variant in disease. Therefore, it has been classified as a Variant of Uncertain Significance.

NM_005816.5(CD96):c.278A>T (p.Glu93Val)

Gene: CD96 (CD96 molecule; plus strand). Cytogenetic location: 3q13.13.
Variant type: single nucleotide variant.
Coding change: c.278A>T on transcript NM_005816.5 (MANE Select); coding-DNA position 278, A replaced by T.
Protein change: p.Glu93Val; replaces glutamic acid 93 with valine.
Molecular consequence: missense variant. On other transcripts: non-coding transcript variant (1).
Genome position (GRCh38, 1-based): chr3:111,545,262, A>T. VCF-style: chr3-111545262-A-T. GRCh37 (hg19) VCF-style: chr3-111264109-A-T.
Other names: c.278A>T, p.Glu93Val (NM_001318889.2, NM_001410800.1, NM_198196.3); short protein forms E93V.
Identifiers: ClinVar variation 2018078 (VCV002018078.4), dbSNP rs2472373546, ClinGen allele CA353956413.